The following is an entry in ClinVar:

NC_000016.9:g.(?_8829597)_(8829686_?)dup

Gene: ABAT (4-aminobutyrate aminotransferase; plus strand). Cytogenetic location: 16p13.2.
Variant type: Duplication.
Identifiers: ClinVar variation 2426579 (VCV002426579.4).

ClinVar aggregate classification (germline): Uncertain significance (1 of 4 stars; one submission).

Conditions:
Gamma-aminobutyric acid transaminase deficiency (GABATD). Also called: GABA transaminase deficiency; Gamma aminobutyrate transaminase deficiency; 4 alpha aminobutyrate transaminase deficiency; GABA aminotransaminase deficiency. Identifiers: Orphanet 2066, MedGen C0342708, MONDO:0013166, OMIM 613163.

Submission:

Labcorp Genetics (formerly Invitae), Labcorp
Classification: Uncertain significance for Gamma-aminobutyric acid transaminase deficiency. Last evaluated: 2022-04-22. Review status: criteria provided, single submitter. Criteria: Invitae Variant Classification Sherloc (09022015). Collection method: clinical testing. Allele origin: germline.
Comment: This variant results in a copy number gain of the genomic region encompassing exon(s) 2 of the ABAT gene. This region includes the initiator codon of the gene. This copy number gain extends beyond the assayed region for this gene and therefore may encompass additional genes. As the precise location of this event is unknown, it may be in tandem or it may be located elsewhere in the genome. This variant has not been reported in the literature in individuals affected with ABAT-related conditions. Experimental studies and prediction algorithms are not available or were not evaluated, and the functional significance of this variant is currently unknown. In summary, the available evidence is currently insufficient to determine the role of this variant in disease. Therefore, it has been classified as a Variant of Uncertain Significance.